The following is an entry in ClinVar:

NM_173500.4(TTBK2):c.3497C>T (p.Ser1166Phe)

Gene: TTBK2 (tau tubulin kinase 2; minus strand). Cytogenetic location: 15q15.2.
Variant type: single nucleotide variant.
Coding change: c.3497C>T on transcript NM_173500.4 (MANE Select); coding-DNA position 3497, C replaced by T.
Protein change: p.Ser1166Phe; replaces serine 1166 with phenylalanine.
Molecular consequence: missense variant.
Genome position (GRCh38, 1-based): chr15:42,746,033, G>A on the plus strand (C>T on the coding strand, the complement: TTBK2 is on the minus strand). VCF-style: chr15-42746033-G-A. GRCh37 (hg19) VCF-style: chr15-43038231-G-A.
Other names: short protein forms S1166F.
Identifiers: ClinVar variation 807225 (VCV000807225.43), dbSNP rs1595871373, ClinGen allele CA392065855.

ClinVar aggregate classification (germline): Uncertain significance. Review status: criteria provided, multiple submitters, no conflicts (2 of 4 stars). 2 submissions from 2 submitters: Uncertain significance (2). Last evaluated 2025-06-14.

Allele frequency attached by ClinVar (database versions not stated): gnomAD exomes below 0.00001.
gnomAD v4.1: 1 of 1,614,190 alleles (0.000062%); highest among the groups gnomAD compares: Non-Finnish European, 0.000085%; no homozygotes.

Submissions (2):

Labcorp Genetics (formerly Invitae), Labcorp
Classification: Uncertain significance. Last evaluated: 2025-06-14. Review status: criteria provided, single submitter. Criteria: Invitae Variant Classification Sherloc (09022015). Collection method: clinical testing. Allele origin: germline.
Comment: This sequence change replaces serine, which is neutral and polar, with phenylalanine, which is neutral and non-polar, at codon 1166 of the TTBK2 protein (p.Ser1166Phe). This variant is not present in population databases (gnomAD no frequency). This variant has not been reported in the literature in individuals affected with TTBK2-related conditions. ClinVar contains an entry for this variant (Variation ID: 807225). An algorithm developed to predict the effect of missense changes on protein structure and function (PolyPhen-2) suggests that this variant is likely to be disruptive. In summary, the available evidence is currently insufficient to determine the role of this variant in disease. Therefore, it has been classified as a Variant of Uncertain Significance.

CeGaT Center for Human Genetics Tuebingen
Classification: Uncertain significance. Last evaluated: 2017-08-01. Review status: criteria provided, single submitter. Criteria: CeGaT Center For Human Genetics Tuebingen Variant Classification Criteria Version 2. Collection method: clinical testing. Allele origin: germline. Affected: yes. Observed: 1 variant allele.